The following is an entry in ClinVar:

ClinVar aggregate classification (germline): Uncertain significance (1 of 4 stars; one submission).

Conditions:
RASopathy. Also called: Noonan spectrum disorder; rasopathies. Identifiers: Orphanet 536391, MedGen C5555857, MONDO:0021060.

gnomAD v4.1: 1 of 1,593,790 alleles (0.000063%); no homozygotes.

Submission:

Labcorp Genetics (formerly Invitae), Labcorp
Classification: Uncertain significance for RASopathy. Last evaluated: 2023-11-27. Review status: criteria provided, single submitter. Criteria: Invitae Variant Classification Sherloc (09022015). Collection method: clinical testing. Allele origin: germline.
Comment: This sequence change falls in intron 3 of the RAF1 gene. It does not directly change the encoded amino acid sequence of the RAF1 protein. It affects a nucleotide within the consensus splice site. This variant is present in population databases (no rsID available, gnomAD 0.0009%). This variant has not been reported in the literature in individuals affected with RAF1-related conditions. Variants that disrupt the consensus splice site are a relatively common cause of aberrant splicing (PMID: 17576681, 9536098). Algorithms developed to predict the effect of sequence changes on RNA splicing suggest that this variant is not likely to affect RNA splicing. In summary, the available evidence is currently insufficient to determine the role of this variant in disease. Therefore, it has been classified as a Variant of Uncertain Significance.

Literature cited by the submitters: PubMed 17576681; PubMed 9536098.

NM_002880.4(RAF1):c.321-3T>C

Gene: RAF1 (Raf-1 proto-oncogene, serine/threonine kinase; minus strand). Cytogenetic location: 3p25.2.
Variant type: single nucleotide variant.
Coding change: c.321-3T>C on transcript NM_002880.4 (MANE Select); 3 bases into the intron before coding-DNA position 321, T replaced by C.
Molecular consequence: intron variant.
Genome position (GRCh38, 1-based): chr3:12,609,338, A>G on the plus strand (T>C on the coding strand, the complement: RAF1 is on the minus strand). VCF-style: chr3-12609338-A-G. GRCh37 (hg19) VCF-style: chr3-12650837-A-G.
Other names: c.78-3T>C (NM_001354695.3, NM_001354692.3, NM_001354694.3 and 1 more transcripts); c.321-3T>C (NM_001354693.3, NM_001354689.3, NM_001354690.3).
Identifiers: ClinVar variation 2699152 (VCV002699152.3), dbSNP rs1559434357, ClinGen allele CA541261255.